The following is an entry in ClinVar:

ClinVar aggregate classification (germline): Uncertain significance (1 of 4 stars; one submission).

gnomAD v4.1: 3 of 1,614,112 alleles (0.00019%); highest among the groups gnomAD compares: Non-Finnish European, 0.00025%; no homozygotes.

Submission:

Ambry Genetics
Classification: Uncertain significance. Last evaluated: 2025-02-26. Review status: criteria provided, single submitter. Criteria: Ambry Variant Classification Scheme 2023. Collection method: clinical testing. Allele origin: germline.
Comment: The p.H863Q variant (also known as c.2589T>A), located in coding exon 1 of the TET2 gene, results from a T to A substitution at nucleotide position 2589. The histidine at codon 863 is replaced by glutamine, an amino acid with highly similar properties. This amino acid position is conserved. In addition, this alteration is predicted to be tolerated by in silico analysis. Based on the available evidence, the clinical significance of this variant remains unclear.

NM_001127208.3(TET2):c.2589T>A (p.His863Gln)

Genes: TET2 (tet methylcytosine dioxygenase 2; plus strand), TET2-AS1 (TET2 antisense RNA 1; minus strand). Cytogenetic location: 4q24.
Variant type: single nucleotide variant.
Coding change: c.2589T>A on transcript NM_001127208.3 (MANE Select); coding-DNA position 2589, T replaced by A.
Protein change: p.His863Gln; replaces histidine 863 with glutamine.
Molecular consequence: missense variant.
Genome position (GRCh38, 1-based): chr4:105,236,531, T>A. VCF-style: chr4-105236531-T-A. GRCh37 (hg19) VCF-style: chr4-106157688-T-A.
Other names: c.2589T>A, p.His863Gln (NM_017628.4); short protein forms H863Q.
Identifiers: ClinVar variation 3806087 (VCV003806087.1).